The following is an entry in ClinVar:

ClinVar aggregate classification (germline): Uncertain significance (1 of 4 stars; one submission).

Allele frequency attached by ClinVar (database versions not stated): ExAC 0.00001; gnomAD 0.00001; gnomAD exomes 0.00001; TOPMed 0.00001.
gnomAD v4.1: 11 of 1,614,088 alleles (0.00068%); highest among the groups gnomAD compares: African/African-American, 0.0027%; no homozygotes.

Submission:

Labcorp Genetics (formerly Invitae), Labcorp
Classification: Uncertain significance. Last evaluated: 2022-09-15. Review status: criteria provided, single submitter. Criteria: Invitae Variant Classification Sherloc (09022015). Collection method: clinical testing. Allele origin: germline.
Comment: In summary, the available evidence is currently insufficient to determine the role of this variant in disease. Therefore, it has been classified as a Variant of Uncertain Significance. Advanced modeling of protein sequence and biophysical properties (such as structural, functional, and spatial information, amino acid conservation, physicochemical variation, residue mobility, and thermodynamic stability) performed at Invitae indicates that this missense variant is not expected to disrupt COL9A1 protein function. This variant has not been reported in the literature in individuals affected with COL9A1-related conditions. This variant is present in population databases (rs764085463, gnomAD 0.007%). This sequence change replaces lysine, which is basic and polar, with asparagine, which is neutral and polar, at codon 596 of the COL9A1 protein (p.Lys596Asn).

NM_001851.6(COL9A1):c.1788G>C (p.Lys596Asn)

Gene: COL9A1 (collagen type IX alpha 1 chain; minus strand). Cytogenetic location: 6q13.
Variant type: single nucleotide variant.
Coding change: c.1788G>C on transcript NM_001851.6 (MANE Select); coding-DNA position 1788, G replaced by C.
Protein change: p.Lys596Asn; replaces lysine 596 with asparagine.
Molecular consequence: missense variant. On other transcripts: non-coding transcript variant (1).
Genome position (GRCh38, 1-based): chr6:70,252,292, C>G on the plus strand (G>C on the coding strand, the complement: COL9A1 is on the minus strand). VCF-style: chr6-70252292-C-G. GRCh37 (hg19) VCF-style: chr6-70961995-C-G.
Other names: c.1089G>C, p.Lys363Asn (NM_001377289.1); c.1059G>C, p.Lys353Asn (NM_001377290.1, NM_078485.4); short protein forms K363N, K596N, K353N.
Identifiers: ClinVar variation 2052683 (VCV002052683.4), dbSNP rs764085463, ClinGen allele CA3882010.
Genomic context (GRCh38, chr6:70,252,292, plus strand): 5'-AACTTCAGGAGAGGTAAAATGGTGTCTTACCGGTTTGCCTGAATTTCCCATCTGACCAGG[C>G]TTCCCTGGAGCACCTGTGCTACCCTAAGGGTAAAATGCAACATCCAAAATAACTCATGCT-3'
Protein context (NP_001842.3, residues 586-606): GEKGSTGAPG[Lys596Asn]PGQMGNSGKP